The following is an entry in ClinVar:

NM_020822.3(KCNT1):c.1703A>G (p.Asp568Gly)

Gene: KCNT1 (potassium sodium-activated channel subfamily T member 1; plus strand). Cytogenetic location: 9q34.3.
Variant type: single nucleotide variant.
Coding change: c.1703A>G on transcript NM_020822.3 (MANE Select); coding-DNA position 1703, A replaced by G.
Protein change: p.Asp568Gly; replaces aspartic acid 568 with glycine.
Molecular consequence: missense variant.
Genome position (GRCh38, 1-based): chr9:135,770,381, A>G. VCF-style: chr9-135770381-A-G. GRCh37 (hg19) VCF-style: chr9-138662227-A-G.
Other names: c.1568A>G, p.Asp523Gly (NM_001272003.2); short protein forms D568G, D523G.
Identifiers: ClinVar variation 2936644 (VCV002936644.3), dbSNP rs745911061, ClinGen allele CA5327034.

ClinVar aggregate classification (germline): Uncertain significance (1 of 4 stars; one submission).

Conditions:
Autosomal dominant nocturnal frontal lobe epilepsy 5. Also called: Epilepsy, nocturnal frontal lobe, 5; CILIARY DYSKINESIA, PRIMARY, 28, WITHOUT SITUS INVERSUS; CILIARY DYSKINESIA, PRIMARY, 28, WITH SITUS INVERSUS; KCNT1-Related Epilepsy. Identifiers: Orphanet 98784, MedGen C3554306, MONDO:0014002, OMIM 615005.
Developmental and epileptic encephalopathy, 14 (DEE14). Also called: Early infantile epileptic encephalopathy 14. Identifiers: Orphanet 293181, MedGen C3554195, MONDO:0013989, OMIM 614959.

Allele frequency attached by ClinVar (database versions not stated): gnomAD exomes below 0.00001; ExAC 0.00001.
gnomAD v4.1: 1 of 1,613,296 alleles (0.000062%); highest among the groups gnomAD compares: Admixed American, 0.0017%; no homozygotes.

Submission:

Labcorp Genetics (formerly Invitae), Labcorp
Classification: Uncertain significance for Autosomal dominant nocturnal frontal lobe epilepsy 5; Developmental and epileptic encephalopathy, 14. Last evaluated: 2025-12-11. Review status: criteria provided, single submitter. Criteria: Invitae Variant Classification Sherloc (09022015). Collection method: clinical testing. Allele origin: germline.
Comment: This sequence change replaces aspartic acid, which is acidic and polar, with glycine, which is neutral and non-polar, at codon 568 of the KCNT1 protein (p.Asp568Gly). This variant is present in population databases (rs745911061, gnomAD 0.003%). This variant has not been reported in the literature in individuals affected with KCNT1-related conditions. ClinVar contains an entry for this variant (Variation ID: 2936644). Invitae Evidence Modeling of protein sequence and biophysical properties (such as structural, functional, and spatial information, amino acid conservation, physicochemical variation, residue mobility, and thermodynamic stability) indicates that this missense variant is not expected to disrupt KCNT1 protein function with a negative predictive value of 80%. In summary, the available evidence is currently insufficient to determine the role of this variant in disease. Therefore, it has been classified as a Variant of Uncertain Significance.